The following is an entry in ClinVar:

ClinVar aggregate classification (germline): Uncertain significance. Review status: criteria provided, multiple submitters, no conflicts (2 of 4 stars). 2 submissions from 2 submitters: Uncertain significance (2). Last evaluated 2025-08-06.

Conditions:
Situs inversus. Also called: Situs inversus totalis. Identifiers: Orphanet 101063, MedGen C4551493, MONDO:0010029, HP:0001696.

Allele frequency attached by ClinVar (database versions not stated): gnomAD 0.00001; gnomAD exomes 0.00001 and 0.00003; TOPMed 0.00002; ExAC 0.00004.
gnomAD v4.1: 9 of 1,614,056 alleles (0.00056%); highest among the groups gnomAD compares: Admixed American, 0.013%; no homozygotes.

Submissions (2):

Ambry Genetics
Classification: Uncertain significance. Last evaluated: 2025-08-06. Review status: criteria provided, single submitter. Criteria: Ambry Variant Classification Scheme 2023. Collection method: clinical testing. Allele origin: germline.

Labcorp Genetics (formerly Invitae), Labcorp
Classification: Uncertain significance for Situs inversus. Last evaluated: 2018-03-10. Review status: criteria provided, single submitter. Criteria: Invitae Variant Classification Sherloc (09022015). Collection method: clinical testing. Allele origin: germline.
Comment: In summary, the available evidence is currently insufficient to determine the role of this variant in disease. Therefore, it has been classified as a Variant of Uncertain Significance. Algorithms developed to predict the effect of missense changes on protein structure and function do not agree on the potential impact of this missense change (SIFT: "Deleterious"; PolyPhen-2: "Benign"; Align-GVGD: "Class C25"). This variant has not been reported in the literature in individuals with CFAP52-related disease. This variant is present in population databases (rs77840450, ExAC 0.03%). This sequence change replaces valine with alanine at codon 477 of the CFAP52 protein (p.Val477Ala). The valine residue is highly conserved and there is a small physicochemical difference between valine and alanine.

NM_145054.5(CFAP52):c.1430T>C (p.Val477Ala)

Gene: CFAP52 (cilia and flagella associated protein 52; plus strand). Cytogenetic location: 17p13.1.
Variant type: single nucleotide variant.
Coding change: c.1430T>C on transcript NM_145054.5 (MANE Select); coding-DNA position 1430, T replaced by C.
Protein change: p.Val477Ala; replaces valine 477 with alanine.
Molecular consequence: missense variant.
Genome position (GRCh38, 1-based): chr17:9,635,514, T>C. VCF-style: chr17-9635514-T-C. GRCh37 (hg19) VCF-style: chr17-9538831-T-C.
Other names: c.1226T>C, p.Val409Ala (NM_001080556.2); short protein forms V477A, V409A.
Identifiers: ClinVar variation 582339 (VCV000582339.10), dbSNP rs77840450, ClinGen allele CA8382226.
Genomic context (GRCh38, chr17:9,635,514, plus strand): 5'-TGAAGGAACACAAGTCATCAGTGTCCTGCATTAGGGTGAAGAGGAACAACGAGGAGTGTG[T>C]CACCGCCAGCACCGATGGGACTTGTATCATTTGGGACCTTGTGTAGGTACCTGTGATGGG-3'
Protein context (NP_659491.4, residues 467-487): IRVKRNNEEC[Val477Ala]TASTDGTCII